The following is an entry in ClinVar:

NM_000548.5(TSC2):c.717C>T (p.Phe239=)

Gene: TSC2 (TSC complex subunit 2; plus strand). Cytogenetic location: 16p13.3.
Variant type: single nucleotide variant.
Coding change: c.717C>T on transcript NM_000548.5 (MANE Select); coding-DNA position 717, C replaced by T.
Protein change: p.Phe239=; no amino-acid change (phenylalanine 239 retained).
Molecular consequence: synonymous variant.
Genome position (GRCh38, 1-based): chr16:2,056,712, C>T. VCF-style: chr16-2056712-C-T. GRCh37 (hg19) VCF-style: chr16-2106713-C-T.
Other names: c.717C>T (NM_000548.3); c.717C>T, p.Phe239= (NM_001077183.3, NM_001114382.3, NM_001363528.2 and 3 more transcripts); c.606C>T, p.Phe202= (NM_001318827.2); c.570C>T, p.Phe190= (NM_001318829.2); c.117C>T, p.Phe39= (NM_001318831.2); c.750C>T, p.Phe250= (NM_001318832.2).
Identifiers: ClinVar variation 1081093 (VCV001081093.12), dbSNP rs1567408727, ClinGen allele CA492957249.

ClinVar aggregate classification (germline): Conflicting classifications of pathogenicity. Review status: criteria provided, conflicting classifications (1 of 4 stars). 4 submissions from 4 submitters: Uncertain significance (1); Benign (1); Likely benign (2). Last evaluated 2025-09-13.

Conditions:
Hereditary cancer-predisposing syndrome. Also called: Neoplastic Syndromes, Hereditary; Hereditary neoplastic syndrome; Hereditary Cancer Syndrome; Tumor predisposition. Identifiers: Orphanet 140162, MedGen C0027672, MeSH D009386, MONDO:0015356.
Tuberous sclerosis 2 (TSC2). Identifiers: Orphanet 805, MedGen C1860707, MONDO:0013199, OMIM 613254.

Submissions (4):

Labcorp Genetics (formerly Invitae), Labcorp
Classification: Likely benign for Tuberous sclerosis 2. Last evaluated: 2025-09-13. Review status: criteria provided, single submitter. Criteria: Invitae Variant Classification Sherloc (09022015). Collection method: clinical testing. Allele origin: germline.

Myriad Genetics, Inc.
Classification: Benign for Tuberous sclerosis 2. Last evaluated: 2025-05-09. Review status: criteria provided, single submitter. Criteria: Myriad Autosomal Dominant, Autosomal Recessive and X-Linked Classification Criteria (2023). Collection method: clinical testing. Allele origin: unknown.
Comment: This variant is considered benign. This variant is a silent/synonymous amino acid change and it is not expected to impact splicing.

Quest Diagnostics Nichols Institute San Juan Capistrano
Classification: Uncertain significance. Last evaluated: 2024-10-22. Review status: criteria provided, single submitter. Criteria: Quest Diagnostics criteria. Collection method: clinical testing. Allele origin: unknown.
Comment: The TSC2 c.717C>T (p.Phe239=) synonymous variant has not been reported in individuals with TSC2-related conditions in the published literature. It also has not been reported in large, multi-ethnic general populations (Genome Aggregation Database). Analysis of this variant using software algorithms for the prediction of the effect of nucleotide changes on splicing yielded predictions that this variant does not affect TSC2 mRNA splicing. Based on the available information, we are unable to determine the clinical significance of this variant.

Ambry Genetics
Classification: Likely benign for Hereditary cancer-predisposing syndrome. Last evaluated: 2023-02-15. Review status: criteria provided, single submitter. Criteria: Ambry Variant Classification Scheme 2023. Collection method: clinical testing. Allele origin: germline.